The following is an entry in ClinVar:

ClinVar aggregate classification (germline): Likely benign. Review status: criteria provided, multiple submitters, no conflicts (2 of 4 stars). 5 submissions from 5 submitters: Likely benign (5). Last evaluated 2025-05-07.

Conditions:
Early-infantile DEE. Also called: Early infantile epileptic encephalopathy; Early infantile epileptic encephalopathy with suppression bursts; Ohtahara syndrome. Identifiers: Orphanet 1934, MedGen C0393706, MONDO:0800491.
Developmental and epileptic encephalopathy, 3 (DEE3). Also called: Epileptic encephalopathy, early infantile, 3. Identifiers: MedGen C5574665, MONDO:0012245, OMIM 609304.
Inborn genetic diseases. Identifiers: MedGen C0950123, MeSH D030342.

Allele frequency attached by ClinVar (database versions not stated): ExAC 0.00003; gnomAD 0.00003; gnomAD exomes 0.00003 and 0.00005; TOPMed 0.00004.
gnomAD v4.1: 82 of 1,613,190 alleles (0.0051%); highest among the groups gnomAD compares: Admixed American, 0.0083%; 1 homozygote.

Submissions (5):

Labcorp Genetics (formerly Invitae), Labcorp
Classification: Likely benign for Early-infantile DEE. Last evaluated: 2025-05-07. Review status: criteria provided, single submitter. Criteria: Invitae Variant Classification Sherloc (09022015). Collection method: clinical testing. Allele origin: germline.

Center for Genomics, Ann and Robert H. Lurie Children's Hospital of Chicago
Classification: Likely benign for Developmental and epileptic encephalopathy, 3. Last evaluated: 2022-09-28. Review status: criteria provided, single submitter. Criteria: ACMG Guidelines, 2015. Collection method: clinical testing. Allele origin: germline.
Comment: This variant has not been reported in the literature but is present in the Genome Aggregation Database (Highest reported MAF 0.01% (2/15286). This variant is present in ClinVar, with multiple labs classifying this variant as Likely benign (Variation ID:385390). Evolutionary conservation and computational predictive tools for this variant are limited or unavailable. Of note, this variant is a silent variant and does not change the amino acid, reducing the probability that this variant is disease causing. In summary, data on this variant suggests that this variant does not cause disease but requires further evidence. Therefore, this variant is classified as likely benign.

Fulgent Genetics
Classification: Likely benign for Developmental and epileptic encephalopathy, 3. Last evaluated: 2021-09-29. Review status: criteria provided, single submitter. Criteria: ACMG Guidelines, 2015. Collection method: clinical testing. Allele origin: unknown.

Ambry Genetics
Classification: Likely benign for Inborn genetic diseases. Last evaluated: 2018-07-16. Review status: criteria provided, single submitter. Criteria: Ambry Variant Classification Scheme 2023. Collection method: clinical testing. Allele origin: germline.

GeneDx
Classification: Likely benign. Last evaluated: 2016-04-15. Review status: criteria provided, single submitter. Criteria: GeneDx Variant Classification (06012015). Collection method: clinical testing. Allele origin: germline. Affected: yes.
Comment: This variant is considered likely benign or benign based on one or more of the following criteria: it is a conservative change, it occurs at a poorly conserved position in the protein, it is predicted to be benign by multiple in silico algorithms, and/or has population frequency not consistent with disease.

NM_001191061.2(SLC25A22):c.654G>A (p.Ala218=)

Gene: SLC25A22 (solute carrier family 25 member 22; minus strand). Cytogenetic location: 11p15.5.
Variant type: single nucleotide variant.
Coding change: c.654G>A on transcript NM_001191061.2 (MANE Select); coding-DNA position 654, G replaced by A.
Protein change: p.Ala218=; no amino-acid change (alanine 218 retained).
Molecular consequence: synonymous variant.
Genome position (GRCh38, 1-based): chr11:792,392, C>T on the plus strand (G>A on the coding strand, the complement: SLC25A22 is on the minus strand). VCF-style: chr11-792392-C-T. GRCh37 (hg19) VCF-style: chr11-792392-C-T.
Other names: c.654G>A, p.Ala218= (NM_001191060.2, NM_024698.6).
Identifiers: ClinVar variation 385390 (VCV000385390.13), dbSNP rs769899113, ClinGen allele CA5789105.